The following is an entry in ClinVar:

ClinVar aggregate classification (germline): Uncertain significance. Review status: criteria provided, multiple submitters, no conflicts (2 of 4 stars). 3 submissions from 3 submitters: Uncertain significance (3). Last evaluated 2025-11-03.

Conditions:
Fanconi anemia (FA). Also called: Fanconi's anemia. Identifiers: Orphanet 84, MedGen C0015625, MeSH D005199, MONDO:0019391.
Inborn genetic diseases. Identifiers: MedGen C0950123, MeSH D030342.

Submissions (3):

Quest Diagnostics Nichols Institute San Juan Capistrano
Classification: Uncertain significance. Last evaluated: 2025-11-03. Review status: criteria provided, single submitter. Criteria: Quest Diagnostics criteria. Collection method: clinical testing. Allele origin: unknown.
Comment: The FANCM c.830T>C (p.Ile277Thr) variant has not been reported in individuals with FANCM-related conditions in the published literature. This variant has not been reported in large, multi-ethnic general populations (Genome Aggregation Database). Analysis of this variant using bioinformatics tools for the prediction of the effect of amino acid changes on protein structure and function yielded conflicting predictions that this variant is benign or damaging. Based on the available information, we are unable to determine the clinical significance of this variant.

Ambry Genetics
Classification: Uncertain significance for Inborn genetic diseases. Last evaluated: 2025-03-10. Review status: criteria provided, single submitter. Criteria: Ambry Variant Classification Scheme 2023. Collection method: clinical testing. Allele origin: germline.
Comment: The p.I277T variant (also known as c.830T>C), located in coding exon 4 of the FANCM gene, results from a T to C substitution at nucleotide position 830. The isoleucine at codon 277 is replaced by threonine, an amino acid with similar properties. This amino acid position is conserved. In addition, the in silico prediction for this alteration is inconclusive. Based on the available evidence, the clinical significance of this variant remains unclear.

Labcorp Genetics (formerly Invitae), Labcorp
Classification: Uncertain significance for Fanconi anemia. Last evaluated: 2023-04-15. Review status: criteria provided, single submitter. Criteria: Invitae Variant Classification Sherloc (09022015). Collection method: clinical testing. Allele origin: germline.
Comment: In summary, the available evidence is currently insufficient to determine the role of this variant in disease. Therefore, it has been classified as a Variant of Uncertain Significance. An algorithm developed to predict the effect of missense changes on protein structure and function (PolyPhen-2) suggests that this variant is likely to be tolerated. This variant has not been reported in the literature in individuals affected with FANCM-related conditions. This variant is not present in population databases (gnomAD no frequency). This sequence change replaces isoleucine, which is neutral and non-polar, with threonine, which is neutral and polar, at codon 277 of the FANCM protein (p.Ile277Thr).

NM_020937.4(FANCM):c.830T>C (p.Ile277Thr)

Gene: FANCM (FA complementation group M; plus strand). Cytogenetic location: 14q21.2.
Variant type: single nucleotide variant.
Coding change: c.830T>C on transcript NM_020937.4 (MANE Select); coding-DNA position 830, T replaced by C.
Protein change: p.Ile277Thr; replaces isoleucine 277 with threonine.
Molecular consequence: missense variant.
Genome position (GRCh38, 1-based): chr14:45,148,907, T>C. VCF-style: chr14-45148907-T-C. GRCh37 (hg19) VCF-style: chr14-45618110-T-C.
Other names: c.752T>C, p.Ile251Thr (NM_001308133.2); c.830T>C, p.Ile277Thr (NM_001308134.2); c.830T>C (NM_020937.3); short protein forms I251T, I277T.
Identifiers: ClinVar variation 2908727 (VCV002908727.5), dbSNP rs2503084413, ClinGen allele CA389589927.